The following is an entry in ClinVar:

GRCh37/hg19 15q26.2(chr15:96878571-96880063)x1

Gene: NR2F2 (nuclear receptor subfamily 2 group F member 2; plus strand). Cytogenetic location: 15q26.2.
Variant type: copy number loss.
Change: copy number 1 (one copy instead of two) of chr15:96,878,571-96,880,063 (1.5 kb, GRCh37 coordinates, 1-based), cytogenetic band 15q26.2.
Other names: 1.5-3kbdeletion.
Identifiers: ClinVar variation 548125 (VCV000548125.2).

ClinVar aggregate classification (germline): Likely pathogenic (1 of 4 stars; one submission).

Conditions:
Congenital heart defects, multiple types, 4 (CHTD4). Identifiers: MedGen C4014310, MONDO:0014344, OMIM 615779.

Submission:

Medical Genetics Lab, Policlinico S. Orsola.Malpighi
Classification: Likely pathogenic for Congenital heart defects, multiple types, 4. Last evaluated: 2018-05-17. Review status: criteria provided, single submitter. Criteria: ACMG CNV Guidelines, 2011. Collection method: clinical testing. Allele origin: de novo. Inheritance: Sporadic. Affected: yes. Observed: 1 variant allele, 1 heterozygote.
Comment: Heterozygous (including loss of function) variants in NRF2F2 were identified in several patients with congenital heart defect and/or diaphragmatic hernia.